The following is an entry in ClinVar:

ClinVar aggregate classification (germline): Uncertain significance (1 of 4 stars; one submission).

Conditions:
Cardiovascular phenotype. Identifiers: MedGen CN230736.

Allele frequency attached by ClinVar (database versions not stated): gnomAD 0.00001.

Submission:

Ambry Genetics
Classification: Uncertain significance for Cardiovascular phenotype. Last evaluated: 2022-03-06. Review status: criteria provided, single submitter. Criteria: Ambry Variant Classification Scheme 2023. Collection method: clinical testing. Allele origin: germline.
Comment: The p.L253H variant (also known as c.758T>A), located in coding exon 2 of the JPH2 gene, results from a T to A substitution at nucleotide position 758. The leucine at codon 253 is replaced by histidine, an amino acid with similar properties. This amino acid position is conserved. In addition, this alteration is predicted to be tolerated by in silico analysis. Since supporting evidence is limited at this time, the clinical significance of this alteration remains unclear.

NM_020433.5(JPH2):c.758T>A (p.Leu253His)

Gene: JPH2 (junctophilin 2; minus strand). Cytogenetic location: 20q13.12.
Variant type: single nucleotide variant.
Coding change: c.758T>A on transcript NM_020433.5 (MANE Select); coding-DNA position 758, T replaced by A.
Protein change: p.Leu253His; replaces leucine 253 with histidine.
Molecular consequence: missense variant.
Genome position (GRCh38, 1-based): chr20:44,160,029, A>T on the plus strand (T>A on the coding strand, the complement: JPH2 is on the minus strand). VCF-style: chr20-44160029-A-T. GRCh37 (hg19) VCF-style: chr20-42788669-A-T.
Other names: short protein forms L253H.
Identifiers: ClinVar variation 1759655 (VCV001759655.2), dbSNP rs2072597253, ClinGen allele CA409093733.